The following is an entry in ClinVar:

NM_019892.6(INPP5E):c.1578G>A (p.Pro526=)

Gene: INPP5E (inositol polyphosphate-5-phosphatase E; minus strand). Cytogenetic location: 9q34.3.
Variant type: single nucleotide variant.
Coding change: c.1578G>A on transcript NM_019892.6 (MANE Select); coding-DNA position 1578, G replaced by A.
Protein change: p.Pro526=; no amino-acid change (proline 526 retained).
Molecular consequence: synonymous variant.
Genome position (GRCh38, 1-based): chr9:136,431,089, C>T on the plus strand (G>A on the coding strand, the complement: INPP5E is on the minus strand). VCF-style: chr9-136431089-C-T. GRCh37 (hg19) VCF-style: chr9-139325541-C-T.
Other names: c.1575G>A, p.Pro525= (NM_001318502.2); c.1578G>A (NM_019892.5).
Identifiers: ClinVar variation 2193688 (VCV002193688.5), dbSNP rs769912825, ClinGen allele CA5336721.
Genomic context (GRCh38, chr9:136,431,089, plus strand): 5'-GGTGCTGTCGTACGTGTCCTTCCCGATGTCAAACTTGTATGATGGGAGGAAGTGGATGTC[C>T]GGCTCCTGGAAGCCCTTGAAGATGGACCCTGCCACAGGATGGGCACTCGGACTGGCTCAG-3'
Protein context (NP_063945.2, residues 516-536): KGSIFKGFQE[Pro526=]DIHFLPSYKF

ClinVar aggregate classification (germline): Likely benign. Review status: criteria provided, single submitter (1 of 4 stars). 2 submissions from 2 submitters: Likely benign (1). 1 of the submissions does not count toward it. Last evaluated 2024-12-16.

Conditions:
INPP5E-related disorder. Also called: INPP5E-related condition.
Joubert syndrome. Also called: CEREBELLOPARENCHYMAL DISORDER IV; JOUBERT-BOLTSHAUSER SYNDROME; Familial aplasia of the vermis. Identifiers: Orphanet 475, MedGen C5979921, MONDO:0018772.

Allele frequency attached by ClinVar (database versions not stated): gnomAD 0.00001; gnomAD exomes 0.00001; ExAC 0.00002.
gnomAD v4.1: 19 of 1,612,832 alleles (0.0012%); highest among the groups gnomAD compares: East Asian, 0.013%; no homozygotes.

Submissions (2):

Labcorp Genetics (formerly Invitae), Labcorp
Classification: Likely benign for Joubert syndrome. Last evaluated: 2024-12-16. Review status: criteria provided, single submitter. Criteria: Invitae Variant Classification Sherloc (09022015). Collection method: clinical testing. Allele origin: germline.

PreventionGenetics, part of Exact Sciences
Classification: Likely benign for INPP5E-related condition. Last evaluated: 2022-08-10. Review status: no assertion criteria provided. Collection method: clinical testing. Allele origin: germline. Not counted in ClinVar's aggregate classification.
Comment: This variant is classified as likely benign based on ACMG/AMP sequence variant interpretation guidelines (Richards et al. 2015 PMID: 25741868, with internal and published modifications).